The following is an entry in ClinVar:

NM_000057.4(BLM):c.209A>G (p.Asp70Gly)

Gene: BLM (BLM RecQ like helicase; plus strand). Cytogenetic location: 15q26.1.
Variant type: single nucleotide variant.
Coding change: c.209A>G on transcript NM_000057.4 (MANE Select); coding-DNA position 209, A replaced by G.
Protein change: p.Asp70Gly; replaces aspartic acid 70 with glycine.
Molecular consequence: missense variant. On other transcripts: 5 prime UTR variant (1).
Genome position (GRCh38, 1-based): chr15:90,749,477, A>G. VCF-style: chr15-90749477-A-G. GRCh37 (hg19) VCF-style: chr15-91292707-A-G.
Other names: c.209A>G, p.Asp70Gly (NM_001287246.2, NM_001287247.2); c.-1083A>G (NM_001287248.2); short protein forms D70G.
Identifiers: ClinVar variation 1348223 (VCV001348223.6), dbSNP rs2151146849, ClinGen allele CA393839749.

ClinVar aggregate classification (germline): Uncertain significance (1 of 4 stars; one submission).

Conditions:
Bloom syndrome (BLM). Also called: Bloom-Torre-Machacek syndrome. Identifiers: Orphanet 125, MedGen C0005859, MONDO:0008876, OMIM 210900.

gnomAD v4.1: 2 of 1,613,694 alleles (0.00012%); highest among the groups gnomAD compares: Non-Finnish European, 0.00017%; no homozygotes.

Submission:

Labcorp Genetics (formerly Invitae), Labcorp
Classification: Uncertain significance for Bloom syndrome. Last evaluated: 2024-04-15. Review status: criteria provided, single submitter. Criteria: Invitae Variant Classification Sherloc (09022015). Collection method: clinical testing. Allele origin: germline.
Comment: This sequence change replaces aspartic acid, which is acidic and polar, with glycine, which is neutral and non-polar, at codon 70 of the BLM protein (p.Asp70Gly). This variant is not present in population databases (gnomAD no frequency). This variant has not been reported in the literature in individuals affected with BLM-related conditions. ClinVar contains an entry for this variant (Variation ID: 1348223). Algorithms developed to predict the effect of missense changes on protein structure and function output the following: SIFT: "Not Available"; PolyPhen-2: "Benign"; Align-GVGD: "Not Available". The glycine amino acid residue is found in multiple mammalian species, which suggests that this missense change does not adversely affect protein function. In summary, the available evidence is currently insufficient to determine the role of this variant in disease. Therefore, it has been classified as a Variant of Uncertain Significance.